The following is an entry in ClinVar:

NM_001374353.1(GLI2):c.2956G>A (p.Asp986Asn)

Gene: GLI2 (GLI family zinc finger 2; plus strand). Cytogenetic location: 2q14.2.
Variant type: single nucleotide variant.
Coding change: c.2956G>A on transcript NM_001374353.1 (MANE Select); coding-DNA position 2956, G replaced by A.
Protein change: p.Asp986Asn; replaces aspartic acid 986 with asparagine.
Molecular consequence: missense variant.
Genome position (GRCh38, 1-based): chr2:120,988,921, G>A. VCF-style: chr2-120988921-G-A. GRCh37 (hg19) VCF-style: chr2-121746497-G-A.
Other names: c.3007G>A, p.Asp1003Asn (NM_001371271.1, NM_005270.5); c.2581G>A, p.Asp861Asn (NM_001374354.1); short protein forms D986N, D1003N, D861N.
Identifiers: ClinVar variation 2935528 (VCV002935528.3), dbSNP rs1233125074, ClinGen allele CA348170749.

ClinVar aggregate classification (germline): Uncertain significance (1 of 4 stars; one submission).

Conditions:
Holoprosencephaly 9 (HPE9). Also called: PITUITARY ANOMALIES WITH HOLOPROSENCEPHALY-LIKE FEATURES; HOLOPROSENCEPHALY WITH MICROPHTHALMIA AND FIRST BRANCHIAL ARCH ANOMALIES. Identifiers: Orphanet 2162, MedGen C1835819, MONDO:0012563, OMIM 610829.
Postaxial polydactyly-anterior pituitary anomalies-facial dysmorphism syndrome. Also called: Culler-Jones syndrome. Identifiers: Orphanet 420584, MedGen C4014479, MONDO:0014369, OMIM 615849.

gnomAD v4.1: 10 of 1,520,826 alleles (0.00066%); highest among the groups gnomAD compares: Non-Finnish European, 0.00062%; no homozygotes.

Submission:

Labcorp Genetics (formerly Invitae), Labcorp
Classification: Uncertain significance for Postaxial polydactyly-anterior pituitary anomalies-facial dysmorphism syndrome; Holoprosencephaly 9. Last evaluated: 2025-07-06. Review status: criteria provided, single submitter. Criteria: Invitae Variant Classification Sherloc (09022015). Collection method: clinical testing. Allele origin: germline.
Comment: This sequence change replaces aspartic acid, which is acidic and polar, with asparagine, which is neutral and polar, at codon 1003 of the GLI2 protein (p.Asp1003Asn). The frequency data for this variant in the population databases is considered unreliable, as metrics indicate poor data quality at this position in the gnomAD database. This variant has not been reported in the literature in individuals affected with GLI2-related conditions. ClinVar contains an entry for this variant (Variation ID: 2935528). Invitae Evidence Modeling of protein sequence and biophysical properties (such as structural, functional, and spatial information, amino acid conservation, physicochemical variation, residue mobility, and thermodynamic stability) has been performed for this missense variant. However, the output from this modeling did not meet the statistical confidence thresholds required to predict the impact of this variant on GLI2 protein function. In summary, the available evidence is currently insufficient to determine the role of this variant in disease. Therefore, it has been classified as a Variant of Uncertain Significance.